The following is an entry in ClinVar:

NM_181552.4(CUX1):c.4287_4292del (p.Glu1430_Gly1431del)

Gene: CUX1 (cut like homeobox 1; plus strand). Cytogenetic location: 7q22.1.
Variant type: Deletion.
Coding change: c.4287_4292del on transcript NM_181552.4 (MANE Select); coding-DNA positions 4287 to 4292, 6 bases deleted (GGAGGG; older notation c.4287_4292delGGAGGG).
Protein change: p.Glu1430_Gly1431del.
Molecular consequence: inframe deletion. On other transcripts: intron variant (5).
Genome position (GRCh38, 1-based): chr7:102,248,811-102,248,816, GGAGGG deleted; deleting any 6 consecutive bases within chr7:102,248,808-102,248,816 gives the same sequence; the c. name uses the placement nearest the transcript's 3' end. VCF-style (leftmost placement, unchanged base first): chr7-102248807-CGGGGGA-C. GRCh37 (hg19) VCF-style: chr7-101892087-CGGGGGA-C.
Other names: c.4320_4325del, p.Glu1441_Gly1442del (NM_001202543.2); c.1256-24555_1256-24550del (NM_001913.5); c.1250-24555_1250-24550del (NM_181500.4); c.1118-24555_1118-24550del (NM_001202545.3); c.1208-24555_1208-24550del (NM_001202544.3); c.1139-24555_1139-24550del (NM_001202546.3).
Identifiers: ClinVar variation 1360060 (VCV001360060.8), dbSNP rs2132623572, ClinGen allele CA2573141537.

ClinVar aggregate classification (germline): Uncertain significance (1 of 4 stars; one submission).

Submission:

Labcorp Genetics (formerly Invitae), Labcorp
Classification: Uncertain significance. Last evaluated: 2021-07-18. Review status: criteria provided, single submitter. Criteria: Invitae Variant Classification Sherloc (09022015). Collection method: clinical testing. Allele origin: germline.
Comment: In summary, the available evidence is currently insufficient to determine the role of this variant in disease. Therefore, it has been classified as a Variant of Uncertain Significance. Experimental studies and prediction algorithms are not available or were not evaluated, and the functional significance of this variant is currently unknown. This variant has not been reported in the literature in individuals affected with CUX1-related conditions. The frequency data for this variant in the population databases is considered unreliable, as metrics indicate insufficient coverage at this position in the ExAC database. This variant, c.4320_4325del, results in the deletion of 2 amino acid(s) of the CUX1 protein (p.Glu1441_Gly1442del), but otherwise preserves the integrity of the reading frame.